The following is an entry in ClinVar:

NM_006231.4(POLE):c.2831C>T (p.Ala944Val)

Gene: POLE (DNA polymerase epsilon, catalytic subunit; minus strand). Cytogenetic location: 12q24.33.
Variant type: single nucleotide variant.
Coding change: c.2831C>T on transcript NM_006231.4 (MANE Select); coding-DNA position 2831, C replaced by T.
Protein change: p.Ala944Val; replaces alanine 944 with valine.
Molecular consequence: missense variant.
Genome position (GRCh38, 1-based): chr12:132,661,560, G>A on the plus strand (C>T on the coding strand, the complement: POLE is on the minus strand). VCF-style: chr12-132661560-G-A. GRCh37 (hg19) VCF-style: chr12-133238146-G-A.
Other names: short protein forms A944V.
Identifiers: ClinVar variation 3781544 (VCV003781544.1).

ClinVar aggregate classification (germline): Uncertain significance (1 of 4 stars; one submission).

Conditions:
Hereditary cancer-predisposing syndrome. Also called: Neoplastic Syndromes, Hereditary; Hereditary Cancer Syndrome; Tumor predisposition; Hereditary neoplastic syndrome. Identifiers: Orphanet 140162, MedGen C0027672, MeSH D009386, MONDO:0015356.

Submission:

Ambry Genetics
Classification: Uncertain significance for Hereditary cancer-predisposing syndrome. Last evaluated: 2024-12-30. Review status: criteria provided, single submitter. Criteria: Ambry Variant Classification Scheme 2023. Collection method: clinical testing. Allele origin: germline.
Comment: The p.A944V variant (also known as c.2831C>T), located in coding exon 24 of the POLE gene, results from a C to T substitution at nucleotide position 2831. The alanine at codon 944 is replaced by valine, an amino acid with similar properties. This amino acid position is conserved. In addition, the in silico prediction for this alteration is inconclusive. Based on the available evidence, the clinical significance of this variant remains unclear.